The following is an entry in ClinVar:

ClinVar aggregate classification (germline): Uncertain significance. Review status: criteria provided, multiple submitters, no conflicts (2 of 4 stars). 2 submissions from 2 submitters: Uncertain significance (2). Last evaluated 2025-05-28.

gnomAD v4.1: 40 of 1,614,106 alleles (0.0025%); highest among the groups gnomAD compares: South Asian, 0.021%; no homozygotes.

Submissions (2):

GeneDx
Classification: Uncertain significance. Last evaluated: 2025-05-28. Review status: criteria provided, single submitter. Criteria: GeneDx Variant Classification Process June 2021. Collection method: clinical testing. Allele origin: germline. Affected: yes.
Comment: In silico analysis supports that this missense variant has a deleterious effect on protein structure/function; Has not been previously published as pathogenic or benign to our knowledge

Labcorp Genetics (formerly Invitae), Labcorp
Classification: Uncertain significance. Last evaluated: 2024-04-18. Review status: criteria provided, single submitter. Criteria: Invitae Variant Classification Sherloc (09022015). Collection method: clinical testing. Allele origin: germline.
Comment: This sequence change replaces arginine, which is basic and polar, with cysteine, which is neutral and slightly polar, at codon 608 of the WDR62 protein (p.Arg608Cys). This variant is present in population databases (rs553327137, gnomAD 0.02%). This variant has not been reported in the literature in individuals affected with WDR62-related conditions. Advanced modeling of protein sequence and biophysical properties (such as structural, functional, and spatial information, amino acid conservation, physicochemical variation, residue mobility, and thermodynamic stability) performed at Invitae indicates that this missense variant is not expected to disrupt WDR62 protein function with a negative predictive value of 80%. In summary, the available evidence is currently insufficient to determine the role of this variant in disease. Therefore, it has been classified as a Variant of Uncertain Significance.

NM_001083961.2(WDR62):c.1822C>T (p.Arg608Cys)

Gene: WDR62 (WD repeat domain 62; plus strand). Cytogenetic location: 19q13.12.
Variant type: single nucleotide variant.
Coding change: c.1822C>T on transcript NM_001083961.2 (MANE Select); coding-DNA position 1822, C replaced by T.
Protein change: p.Arg608Cys; replaces arginine 608 with cysteine.
Molecular consequence: missense variant.
Genome position (GRCh38, 1-based): chr19:36,089,091, C>T. VCF-style: chr19-36089091-C-T. GRCh37 (hg19) VCF-style: chr19-36579993-C-T.
Other names: c.1807C>T, p.Arg603Cys (NM_001411145.1); c.1822C>T, p.Arg608Cys (NM_001411146.1, NM_173636.5); c.1471C>T, p.Arg491Cys (NM_001411147.1); c.1822C>T (NM_001083961.1); short protein forms R603C, R608C, R491C.
Identifiers: ClinVar variation 3678565 (VCV003678565.3).